The following is an entry in ClinVar:

ClinVar aggregate classification (germline): Uncertain significance (1 of 4 stars; one submission).

Allele frequency attached by ClinVar (database versions not stated): TOPMed 0.00001.

Submission:

Labcorp Genetics (formerly Invitae), Labcorp
Classification: Uncertain significance. Last evaluated: 2025-09-08. Review status: criteria provided, single submitter. Criteria: Invitae Variant Classification Sherloc (09022015). Collection method: clinical testing. Allele origin: germline.
Comment: This sequence change replaces alanine, which is neutral and non-polar, with threonine, which is neutral and polar, at codon 56 of the CTDP1 protein (p.Ala56Thr). This variant is not present in population databases (gnomAD no frequency). This variant has not been reported in the literature in individuals affected with CTDP1-related conditions. ClinVar contains an entry for this variant (Variation ID: 2119522). An algorithm developed to predict the effect of missense changes on protein structure and function outputs the following: PolyPhen-2: "Benign". The threonine amino acid residue is found in multiple mammalian species, which suggests that this missense change does not adversely affect protein function. In summary, the available evidence is currently insufficient to determine the role of this variant in disease. Therefore, it has been classified as a Variant of Uncertain Significance.

NM_004715.5(CTDP1):c.166G>A (p.Ala56Thr)

Gene: CTDP1 (CTD phosphatase subunit 1; plus strand). Cytogenetic location: 18q23.
Variant type: single nucleotide variant.
Coding change: c.166G>A on transcript NM_004715.5 (MANE Select); coding-DNA position 166, G replaced by A.
Protein change: p.Ala56Thr; replaces alanine 56 with threonine.
Molecular consequence: missense variant.
Genome position (GRCh38, 1-based): chr18:79,680,113, G>A. VCF-style: chr18-79680113-G-A. GRCh37 (hg19) VCF-style: chr18-77440113-G-A.
Other names: c.166G>A, p.Ala56Thr (NM_001318511.2, NM_048368.4); short protein forms A56T.
Identifiers: ClinVar variation 2119522 (VCV002119522.4), dbSNP rs1245776608, ClinGen allele CA402825090.
Genomic context (GRCh38, chr18:79,680,113, plus strand): 5'-AGGGTGGCGGCGGGCGCGGCCGTGCGCATCGGCTCGGTGCTGGCCGTGTTCGAGGCCGCC[G>A]CCTCCGCGCAGTCCTCCGGGGCCTCTCAGTCCCGTGTAGCCTCCGGGGGCTGCGTGCGCC-3'
Protein context (NP_004706.3, residues 46-66): GSVLAVFEAA[Ala56Thr]SAQSSGASQS